The following is an entry in ClinVar:

NM_201384.3(PLEC):c.6088C>A (p.Gln2030Lys)

Gene: PLEC (plectin; minus strand). Cytogenetic location: 8q24.3.
Variant type: single nucleotide variant.
Coding change: c.6088C>A on transcript NM_201384.3 (MANE Select); coding-DNA position 6088, C replaced by A.
Protein change: p.Gln2030Lys; replaces glutamine 2030 with lysine.
Molecular consequence: missense variant.
Genome position (GRCh38, 1-based): chr8:143,923,841, G>T on the plus strand (C>A on the coding strand, the complement: PLEC is on the minus strand). VCF-style: chr8-143923841-G-T. GRCh37 (hg19) VCF-style: chr8-144998009-G-T.
Other names: c.6169C>A, p.Gln2057Lys (NM_000445.5); c.6046C>A, p.Gln2016Lys (NM_201378.4); c.6022C>A, p.Gln2008Lys (NM_201379.3); c.6499C>A, p.Gln2167Lys (NM_201380.4); c.5992C>A, p.Gln1998Lys (NM_201381.3); c.6088C>A, p.Gln2030Lys (NM_201382.4); c.6100C>A, p.Gln2034Lys (NM_201383.3); short protein forms Q1998K, Q2057K, Q2030K, Q2008K, Q2016K, Q2034K, Q2167K.
Identifiers: ClinVar variation 651488 (VCV000651488.6), dbSNP rs387906801, ClinGen allele CA372539186.

ClinVar aggregate classification (germline): Uncertain significance (1 of 4 stars; one submission).

Conditions:
Epidermolysis bullosa simplex, Ogna type (EBS5A). Also called: Pidermolysis bullosa simplex 5A, Ogna type; EPIDERMOLYSIS BULLOSA SIMPLEX 5A, OGNA TYPE. Identifiers: Orphanet 79401, MedGen C0432317, MONDO:0007555, OMIM 131950.
Epidermolysis bullosa simplex 5C, with pyloric atresia (EBS5C). Also called: Epidermolysis bullosa simplex with pyloric atresia; PLEC-Related Epidermolysis Bullosa with Pyloric Atresia; PLEC1-Related Epidermolysis Bullosa with Pyloric Atresia. Identifiers: Orphanet 158684, MedGen C2677349, MONDO:0012807, OMIM 612138.
Epidermolysis bullosa simplex with nail dystrophy (EBS5D). Identifiers: MedGen C4225309, MONDO:0014661, OMIM 616487.
Epidermolysis bullosa simplex 5B, with muscular dystrophy (EBS5B). Also called: EPIDERMOLYSIS BULLOSA SIMPLEX AND LIMB-GIRDLE MUSCULAR DYSTROPHY; Epidermolysis bullosa simplex with muscular dystrophy. Identifiers: Orphanet 257, MedGen C2931072, MONDO:0009181, OMIM 226670.
Autosomal recessive limb-girdle muscular dystrophy type 2Q (LGMDR17). Also called: MUSCULAR DYSTROPHY, LIMB-GIRDLE, AUTOSOMAL RECESSIVE 17. Identifiers: Orphanet 254361, MedGen C3150989, MONDO:0013390, OMIM 613723.

Submission:

Labcorp Genetics (formerly Invitae), Labcorp
Classification: Uncertain significance for Autosomal recessive limb-girdle muscular dystrophy type 2Q; Epidermolysis bullosa simplex, Ogna type; Epidermolysis bullosa simplex with nail dystrophy; Epidermolysis bullosa simplex 5C, with pyloric atresia; Epidermolysis bullosa simplex 5B, with muscular dystrophy. Last evaluated: 2024-03-01. Review status: criteria provided, single submitter. Criteria: Invitae Variant Classification Sherloc (09022015). Collection method: clinical testing. Allele origin: germline.
Comment: This sequence change replaces glutamine, which is neutral and polar, with lysine, which is basic and polar, at codon 2057 of the PLEC protein (p.Gln2057Lys). This variant is not present in population databases (gnomAD no frequency). This variant has not been reported in the literature in individuals affected with PLEC-related conditions. ClinVar contains an entry for this variant (Variation ID: 651488). An algorithm developed to predict the effect of missense changes on protein structure and function (PolyPhen-2) suggests that this variant is likely to be tolerated. In summary, the available evidence is currently insufficient to determine the role of this variant in disease. Therefore, it has been classified as a Variant of Uncertain Significance.